The following is an entry in ClinVar:

NM_004415.4(DSP):c.5265G>C (p.Gln1755His)

Gene: DSP (desmoplakin; plus strand). Cytogenetic location: 6p24.3.
Variant type: single nucleotide variant.
Coding change: c.5265G>C on transcript NM_004415.4 (MANE Select); coding-DNA position 5265, G replaced by C.
Protein change: p.Gln1755His; replaces glutamine 1755 with histidine.
Molecular consequence: missense variant. On other transcripts: intron variant (2).
Genome position (GRCh38, 1-based): chr6:7,581,455, G>C. VCF-style: chr6-7581455-G-C. GRCh37 (hg19) VCF-style: chr6-7581688-G-C.
Other names: c.4051-1187G>C (NM_001319034.2); c.3583-1187G>C (NM_001008844.3); short protein forms Q1755H.
Identifiers: ClinVar variation 919204 (VCV000919204.5), dbSNP rs1759438957, ClinGen allele CA362688216.

ClinVar aggregate classification (germline): Uncertain significance (1 of 4 stars; one submission).

Conditions:
Cardiomyopathy (CMYO). Also called: Cardiomyopathies. Identifiers: Orphanet 167848, MedGen C0878544, MONDO:0004994, HP:0001638. Inheritance: Various modes of inheritance.

Submission:

Color Diagnostics, LLC DBA Color Health
Classification: Uncertain significance for Cardiomyopathy. Last evaluated: 2023-12-05. Review status: criteria provided, single submitter. Criteria: ACMG Guidelines, 2015. Collection method: clinical testing. Allele origin: germline.
Comment: This missense variant replaces glutamine with histidine at codon 1755 of the DSP protein. Computational prediction tools and conservation analyses are inconclusive regarding the impact of this variant on protein function. Computational splicing tools suggest that this variant may not impact RNA splicing. To our knowledge, functional assays have not been performed for this variant nor has this variant been reported in individuals affected with cardiovascular disorders in the literature. This variant has not been identified in the general population by the Genome Aggregation Database (gnomAD). Available evidence is insufficient to determine the role of this variant in disease conclusively. Therefore, this variant is classified as a Variant of Uncertain Significance.